The following is an entry in ClinVar:

NM_001142800.2(EYS):c.9402_9403insGGCCGGGCGCGGTGGCTCACGCCTGTAATCCCAGCACTTTGGGAGGCCGAGGCGGGCGGATCACGAGGTCAGGAGATCGAGACCATCCCGGCTAAAACGGTGAAACCCCGTCTNNNNNNNNNNAAAAAAAAAAAAAAAAAAAAGAAGGATACAATGTT (p.Tyr3135fs)

Genes: EYS (EGF-like photoreceptor maintenance factor; minus strand), PHF3 (PHD finger protein 3; plus strand). Cytogenetic location: 6q12.
Variant type: Insertion.
Coding change: c.9402_9403insGGCCGGGCGCGGTGGCTCACGCCTGTAATCCCAGCACTTTGGGAGGCCGAGGCGGGCGGATCACGAGGTCAGGAGATCGAGACCATCCCGGCTAAAACGGTGAAACCCCGTCTNNNNNNNNNNAAAAAAAAAAAAAAAAAAAAGAAGGATACAATGTT on transcript NM_001142800.2 (MANE Select); coding-DNA positions 9402 to 9403, GGCCGGGCGCGGTGGCTCACGCCTGTAATCCCAGCACTTTGGGAGGCCGAGGCGGGCGGATCACGAGGTCAGGAGATCGAGACCATCCCGGCTAAAACGGTGAAACCCCGTCTNNNNNNNNNNAAAAAAAAAAAAAAAAAAAAGAAGGATACAATGTT inserted.
Protein change: p.Tyr3135fs; shifts the reading frame from tyrosine 3135.
Molecular consequence: frameshift variant. On other transcripts: 3 prime UTR variant (5).
Genome position: GRCh38: chr6:63,720,644-63,720,645. GRCh37 (hg19): chr6:64,430,540-64,430,541.
Other names: c.*6936_*6937insTTTTTTTTTTTTTTTTTTTNNNNNNNNNNAGACGGGGTTTCACCGTTTTAGCCGGGATGGTCTCGATCTCCTGACCTCGTGATCCGCCCGCCTCGGCCTCCCAAAGTGCTGGGATTACAGGCGTGAGCCACCGCGCCCGGCCAACATTGTATCCTTCT (NM_001290259.2, NM_001370348.2, NM_001370349.2 and 2 more transcripts); c.9465_9466insGGCCGGGCGCGGTGGCTCACGCCTGTAATCCCAGCACTTTGGGAGGCCGAGGCGGGCGGATCACGAGGTCAGGAGATCGAGACCATCCCGGCTAAAACGGTGAAACCCCGTCTNNNNNNNNNNAAAAAAAAAAAAAAAAAAAAGAAGGATACAATGTT, p.Tyr3156fs (NM_001292009.2); short protein forms Y3156fs, Y3135fs.
Identifiers: ClinVar variation 1455537 (VCV001455537.8), dbSNP rs2149623398.

ClinVar aggregate classification (germline): Pathogenic (1 of 4 stars; one submission).

Submission:

Labcorp Genetics (formerly Invitae), Labcorp
Classification: Pathogenic. Last evaluated: 2025-07-06. Review status: criteria provided, single submitter. Criteria: Invitae Variant Classification Sherloc (09022015). Collection method: clinical testing. Allele origin: germline.
Comment: This sequence change inserts a large fragment of DNA, likely a transposable element, in exon 43 of the EYS gene (c.9402_9403ins?), causing a frameshift at codon 3135 (p.Tyr3135fs). The exact size and sequence of the insertion cannot be determined by the current assay. However, the insertion is expected to result in an absent or disrupted protein product. This variant is not present in population databases (gnomAD no frequency). This variant has not been reported in the literature in individuals affected with EYS-related conditions. This variant disrupts a region of the EYS protein in which other variant(s) (p.Tyr3135*) have been determined to be pathogenic (PMID: 18976725, 29159838, 30337596, 31074760). This suggests that this is a clinically significant region of the protein, and that variants that disrupt it are likely to be disease-causing. Retrotransposon insertions including LINE1 (L1), Alu, and SVA (SINE-VNTR-Alu) have been reported to disrupt protein function (PMID: 19763152, 20307669, 22406018). However the effect of this particular variant is unknown. For these reasons, this variant has been classified as Pathogenic.

Literature cited by the submitters: PubMed 18976725; PubMed 29159838; PubMed 30337596; PubMed 31074760; PubMed 19763152; PubMed 20307669; PubMed 22406018.